The following is an entry in ClinVar:

NM_003265.3(TLR3):c.2147T>C (p.Phe716Ser)

Gene: TLR3 (toll like receptor 3; plus strand). Cytogenetic location: 4q35.1.
Variant type: single nucleotide variant.
Coding change: c.2147T>C on transcript NM_003265.3 (MANE Select); coding-DNA position 2147, T replaced by C.
Protein change: p.Phe716Ser; replaces phenylalanine 716 with serine.
Molecular consequence: missense variant.
Genome position (GRCh38, 1-based): chr4:186,083,833, T>C. VCF-style: chr4-186083833-T-C. GRCh37 (hg19) VCF-style: chr4-187004987-T-C.
Other names: short protein forms F716S.
Identifiers: ClinVar variation 1494708 (VCV001494708.8), dbSNP rs2150068135, ClinGen allele CA358935192.

ClinVar aggregate classification (germline): Uncertain significance (1 of 4 stars; one submission).

Conditions:
Encephalopathy, acute, infection-induced (herpes-specific), susceptibility to, 1. Also called: Herpes simplex encephalitis, susceptibility to, 1. Identifiers: Orphanet 1930, MedGen C2750180, MONDO:0024563, OMIM 610551.

gnomAD v4.1: 1 of 1,614,132 alleles (0.000062%); highest among the groups gnomAD compares: Non-Finnish European, 0.000085%; no homozygotes.

Submission:

Labcorp Genetics (formerly Invitae), Labcorp
Classification: Uncertain significance for Encephalopathy, acute, infection-induced (herpes-specific), susceptibility to, 1. Last evaluated: 2022-11-08. Review status: criteria provided, single submitter. Criteria: Invitae Variant Classification Sherloc (09022015). Collection method: clinical testing. Allele origin: germline.
Comment: In summary, the available evidence is currently insufficient to determine the role of this variant in disease. Therefore, it has been classified as a Variant of Uncertain Significance. Algorithms developed to predict the effect of missense changes on protein structure and function (SIFT, PolyPhen-2, Align-GVGD) all suggest that this variant is likely to be disruptive. ClinVar contains an entry for this variant (Variation ID: 1494708). This variant has not been reported in the literature in individuals affected with TLR3-related conditions. This variant is not present in population databases (gnomAD no frequency). This sequence change replaces phenylalanine, which is neutral and non-polar, with serine, which is neutral and polar, at codon 716 of the TLR3 protein (p.Phe716Ser).